The following is an entry in ClinVar:

NM_020166.5(MCCC1):c.738C>T (p.Ile246=)

Gene: MCCC1 (methylcrotonyl-CoA carboxylase subunit 1; minus strand). Cytogenetic location: 3q27.1.
Variant type: single nucleotide variant.
Coding change: c.738C>T on transcript NM_020166.5 (MANE Select); coding-DNA position 738, C replaced by T.
Protein change: p.Ile246=; no amino-acid change (isoleucine 246 retained).
Molecular consequence: synonymous variant. On other transcripts: non-coding transcript variant (2).
Genome position (GRCh38, 1-based): chr3:183,071,022, G>A on the plus strand (C>T on the coding strand, the complement: MCCC1 is on the minus strand). VCF-style: chr3-183071022-G-A. GRCh37 (hg19) VCF-style: chr3-182788810-G-A.
Other names: c.387C>T, p.Ile129= (NM_001293273.2); c.411C>T, p.Ile137= (NM_001363880.1).
Identifiers: ClinVar variation 512664 (VCV000512664.4), dbSNP rs766095348, ClinGen allele CA2718989.

ClinVar aggregate classification (germline): Likely benign. Review status: criteria provided, multiple submitters, no conflicts (2 of 4 stars). 2 submissions from 2 submitters: Likely benign (2). Last evaluated 2023-01-17.

Conditions:
3-methylcrotonyl-CoA carboxylase 1 deficiency (MCC1D). Also called: METHYLCROTONYLGLYCINURIA TYPE I; MCCD TYPE 1; MCC 1 deficiency; 3 Alpha methylcrotonylglycinuria 1. Identifiers: Orphanet 6, MedGen CN028786, MONDO:0008861, OMIM 210200.

gnomAD v4.1: 13 of 1,614,012 alleles (0.00081%); highest among the groups gnomAD compares: Non-Finnish European, 0.001%; no homozygotes.

Submissions (2):

Labcorp Genetics (formerly Invitae), Labcorp
Classification: Likely benign for 3-methylcrotonyl-CoA carboxylase 1 deficiency. Last evaluated: 2023-01-17. Review status: criteria provided, single submitter. Criteria: Invitae Variant Classification Sherloc (09022015). Collection method: clinical testing. Allele origin: germline.

GeneDx
Classification: Likely benign. Last evaluated: 2017-10-30. Review status: criteria provided, single submitter. Criteria: GeneDx Variant Classification (06012015). Collection method: clinical testing. Allele origin: germline. Affected: yes.
Comment: This variant is considered likely benign or benign based on one or more of the following criteria: it is a conservative change, it occurs at a poorly conserved position in the protein, it is predicted to be benign by multiple in silico algorithms, and/or has population frequency not consistent with disease.